The following is an entry in ClinVar:

ClinVar aggregate classification (germline): Uncertain significance (1 of 4 stars; one submission).

Submission:

Mayo Clinic Laboratories, Mayo Clinic
Classification: Uncertain significance. Last evaluated: 2025-01-10. Review status: criteria provided, single submitter. Criteria: ACMG Guidelines, 2015. Collection method: clinical testing. Allele origin: germline. Observed: 1 variant allele.
Comment: BP4, PM2_supporting

NM_005026.5(PIK3CD):c.973A>C (p.Ile325Leu)

Gene: PIK3CD (phosphatidylinositol-4,5-bisphosphate 3-kinase catalytic subunit delta; plus strand). Cytogenetic location: 1p36.22.
Variant type: single nucleotide variant.
Coding change: c.973A>C on transcript NM_005026.5 (MANE Select); coding-DNA position 973, A replaced by C.
Protein change: p.Ile325Leu; replaces isoleucine 325 with leucine.
Molecular consequence: missense variant.
Genome position (GRCh38, 1-based): chr1:9,717,579, A>C. VCF-style: chr1-9717579-A-C. GRCh37 (hg19) VCF-style: chr1-9777637-A-C.
Other names: p.Ile325Leu; c.973A>C, p.Ile325Leu (NM_001437547.1, NM_001438338.1, NM_001439206.1 and 2 more transcripts); c.886A>C, p.Ile296Leu (NM_001350235.1); short protein forms I325L, I296L.
Identifiers: ClinVar variation 4542051 (VCV004542051.1).
Genomic context (GRCh38, chr1:9,717,579, plus strand): 5'-TGCTTCCCCGGCCCCCAGCCTTCCTCTGTGTCCCTGTGGTCCCTGGAGCAGCCGTTCCGC[A>C]TCGAGCTCATCCAGGGCAGCAAAGTGAACGCCGACGAGCGGATGAAGGTGGGGCTCCTGG-3'
Protein context (NP_005017.3, residues 315-335): SLWSLEQPFR[Ile325Leu]ELIQGSKVNA